The following is an entry in ClinVar:

ClinVar aggregate classification (germline): Uncertain significance (1 of 4 stars; one submission).

Conditions:
Hereditary cancer-predisposing syndrome. Also called: Neoplastic Syndromes, Hereditary; Tumor predisposition; Hereditary neoplastic syndrome; Hereditary Cancer Syndrome. Identifiers: Orphanet 140162, MedGen C0027672, MeSH D009386, MONDO:0015356.

Allele frequency attached by ClinVar (database versions not stated): gnomAD exomes below 0.00001.
gnomAD v4.1: 1 of 1,613,870 alleles (0.000062%); highest among the groups gnomAD compares: East Asian, 0.0022%; no homozygotes.

Submission:

Ambry Genetics
Classification: Uncertain significance for Hereditary cancer-predisposing syndrome. Last evaluated: 2024-01-17. Review status: criteria provided, single submitter. Criteria: Ambry Variant Classification Scheme 2023. Collection method: clinical testing. Allele origin: germline.
Comment: The p.C415Y variant (also known as c.1244G>A), located in coding exon 8 of the FLCN gene, results from a G to A substitution at nucleotide position 1244. The cysteine at codon 415 is replaced by tyrosine, an amino acid with highly dissimilar properties. This amino acid position is highly conserved in available vertebrate species. In addition, this alteration is predicted to be deleterious by in silico analysis. Based on the available evidence, the clinical significance of this alteration remains unclear.

NM_144997.7(FLCN):c.1244G>A (p.Cys415Tyr)

Gene: FLCN (folliculin; minus strand). Cytogenetic location: 17p11.2.
Variant type: single nucleotide variant.
Coding change: c.1244G>A on transcript NM_144997.7 (MANE Select); coding-DNA position 1244, G replaced by A.
Protein change: p.Cys415Tyr; replaces cysteine 415 with tyrosine.
Molecular consequence: missense variant.
Genome position (GRCh38, 1-based): chr17:17,216,436, C>T on the plus strand (G>A on the coding strand, the complement: FLCN is on the minus strand). VCF-style: chr17-17216436-C-T. GRCh37 (hg19) VCF-style: chr17-17119750-C-T.
Other names: c.1298G>A, p.Cys433Tyr (NM_001353229.2); c.1244G>A, p.Cys415Tyr (NM_001353230.2, NM_001353231.2); short protein forms C415Y, C433Y.
Identifiers: ClinVar variation 3229227 (VCV003229227.1), dbSNP rs1400882628, ClinGen allele CA398531772.